The following is an entry in ClinVar:

ClinVar aggregate classification (germline): Likely pathogenic. Review status: criteria provided, multiple submitters, no conflicts (2 of 4 stars). 3 submissions from 3 submitters: Likely pathogenic (3). Last evaluated 2026-01-13.

Conditions:
Arrhythmogenic right ventricular cardiomyopathy (ARVD). Also called: Arrhythmogenic cardiomyopathy; Arrhythmogenic Right Ventricular Cardiomyopathy (ARVC); Cardiomyopathy, ARVC; Arrhythmogenic right ventricular dysplasia. Identifiers: Orphanet 247, MedGen C0349788, MeSH D019571, MONDO:0016587. Disease mechanism: loss of function. Inheritance: Various modes of inheritance.
Arrhythmogenic right ventricular dysplasia 8 (ARVD8). Also called: Arrhythmogenic Right Ventricular Dysplasia/Cardiomyopathy 8; ARRHYTHMOGENIC RIGHT VENTRICULAR DYSPLASIA, FAMILIAL, 8; ARRHYTHMOGENIC RIGHT VENTRICULAR CARDIOMYOPATHY 8. Identifiers: MedGen C1843896, MONDO:0011831, OMIM 607450.
Arrhythmogenic cardiomyopathy with wooly hair and keratoderma. Also called: Dilated cardiomyopathy with woolly hair and keratoderma; Arrhythmogenic cardiomyopathy with woolly hair and keratoderma; PALMOPLANTAR KERATODERMA WITH LEFT VENTRICULAR CARDIOMYOPATHY AND WOOLLY HAIR; Carvajal syndrome. Identifiers: Orphanet 65282, MedGen C1854063, MONDO:0011581, OMIM 605676.

Submissions (3):

Labcorp Genetics (formerly Invitae), Labcorp
Classification: Likely pathogenic for Arrhythmogenic cardiomyopathy with wooly hair and keratoderma; Arrhythmogenic right ventricular dysplasia 8. Last evaluated: 2026-01-13. Review status: criteria provided, single submitter. Criteria: Invitae Variant Classification Sherloc (09022015). Collection method: clinical testing. Allele origin: germline.
Comment: This sequence change affects an acceptor splice site in intron 9 of the DSP gene. It is expected to disrupt RNA splicing. Variants that disrupt the donor or acceptor splice site typically lead to a loss of protein function (PMID: 16199547), and loss-of-function variants in DSP are known to be pathogenic (PMID: 20716751, 24503780, 25227139, 30398466). This variant is not present in population databases (gnomAD no frequency). Disruption of this splice site has been observed in individual(s) with arrhythmogenic left ventricular cardiomyopathy (PMID: 37361972). ClinVar contains an entry for this variant (Variation ID: 517383). Algorithms developed to predict the effect of sequence changes on RNA splicing suggest that this variant may disrupt the consensus splice site. In summary, the currently available evidence indicates that the variant is pathogenic, but additional data are needed to prove that conclusively. Therefore, this variant has been classified as Likely Pathogenic.

GeneDx
Classification: Likely pathogenic. Last evaluated: 2025-11-14. Review status: criteria provided, single submitter. Criteria: GeneDx Variant Classification Process June 2021. Collection method: clinical testing. Allele origin: germline. Affected: yes.
Comment: Canonical splice site variant expected to result in aberrant splicing, although in the absence of functional evidence the actual effect of this sequence change is unknown; Not observed at significant frequency in large population cohorts (gnomAD); This variant is associated with the following publications: (PMID: 31447099, 31638835, 37361972, 33684294)

Laboratory for Molecular Medicine, Mass General Brigham Personalized Medicine
Classification: Likely pathogenic for Arrhythmogenic right ventricular cardiomyopathy. Last evaluated: 2017-07-17. Review status: criteria provided, single submitter. Criteria: LMM Criteria. Collection method: clinical testing. Allele origin: germline. Inheritance: Autosomal dominant inheritance. Observed: 3 variant alleles.
Comment: The c.1141-2A>T variant in DSP has not been previously reported in individuals w ith cardiomyopathy or in large population studies. This variant occurs in the in variant region (+/- 1,2) of the splice consensus sequence and is predicted to ca use altered splicing leading to an abnormal or absent protein, which is common a mong disease causing DSP variants. In summary, although additional studies are required to fully establish its clinical significance, the c.1141-2A>T variant i s likely pathogenic.

Literature cited by the submitters: PubMed 16199547 (cited by Labcorp Genetics (formerly Invitae), Labcorp); PubMed 20716751 (cited by Labcorp Genetics (formerly Invitae), Labcorp); PubMed 24503780 (cited by Labcorp Genetics (formerly Invitae), Labcorp); PubMed 25227139 (cited by Labcorp Genetics (formerly Invitae), Labcorp); PubMed 30398466 (cited by Labcorp Genetics (formerly Invitae), Labcorp); PubMed 37361972 (cited by Labcorp Genetics (formerly Invitae), Labcorp).

NM_004415.4(DSP):c.1141-2A>T

Gene: DSP (desmoplakin; plus strand). Cytogenetic location: 6p24.3.
Variant type: single nucleotide variant.
Coding change: c.1141-2A>T on transcript NM_004415.4 (MANE Select); the canonical splice acceptor site of the intron before coding-DNA position 1141, A replaced by T.
Molecular consequence: splice acceptor variant.
Genome position (GRCh38, 1-based): chr6:7,567,779, A>T. VCF-style: chr6-7567779-A-T. GRCh37 (hg19) VCF-style: chr6-7568012-A-T.
Other names: c.1141-2A>T (NM_001319034.2, NM_001008844.3, NM_001406591.1).
Identifiers: ClinVar variation 517383 (VCV000517383.9), dbSNP rs794728111, ClinGen allele CA362675879.
Genomic context (GRCh38, chr6:7,567,779, plus strand): 5'-CTACTAGATGAAATTGCTCATTGAGTTGCTGTTCATTCACTGATCACTCTCATCCTTCAC[A>T]GTTTTTTGAAGAGGCGCAGTCTACTGAAGCATACCTGAAGGGGCTCCAGGACTCCATCAG-3'